The following is an entry in ClinVar:

NM_000081.4(LYST):c.1933G>A (p.Asp645Asn)

Gene: LYST (lysosomal trafficking regulator; minus strand). Cytogenetic location: 1q42.3.
Variant type: single nucleotide variant.
Coding change: c.1933G>A on transcript NM_000081.4 (MANE Select); coding-DNA position 1933, G replaced by A.
Protein change: p.Asp645Asn; replaces aspartic acid 645 with asparagine.
Molecular consequence: missense variant.
Genome position (GRCh38, 1-based): chr1:235,808,885, C>T on the plus strand (G>A on the coding strand, the complement: LYST is on the minus strand). VCF-style: chr1-235808885-C-T. GRCh37 (hg19) VCF-style: chr1-235972185-C-T.
Other names: c.1933G>A, p.Asp645Asn (NM_001301365.1); short protein forms D645N.
Identifiers: ClinVar variation 847955 (VCV000847955.7), dbSNP rs112830771, ClinGen allele CA39617837.

ClinVar aggregate classification (germline): Uncertain significance (1 of 4 stars; one submission).

Conditions:
Chédiak-Higashi syndrome (CHS). Also called: Chediak-Higashi Syndrome. Identifiers: Orphanet 167, MedGen C0007965, MONDO:0008963, OMIM 214500.

Allele frequency attached by ClinVar (database versions not stated): gnomAD exomes below 0.00001.
gnomAD v4.1: 7 of 1,613,832 alleles (0.00043%); highest among the groups gnomAD compares: African/African-American, 0.0053%; no homozygotes.

Submission:

Labcorp Genetics (formerly Invitae), Labcorp
Classification: Uncertain significance for Chédiak-Higashi syndrome. Last evaluated: 2024-04-15. Review status: criteria provided, single submitter. Criteria: Invitae Variant Classification Sherloc (09022015). Collection method: clinical testing. Allele origin: germline.
Comment: This sequence change replaces aspartic acid, which is acidic and polar, with asparagine, which is neutral and polar, at codon 645 of the LYST protein (p.Asp645Asn). This variant is not present in population databases (gnomAD no frequency). This variant has not been reported in the literature in individuals affected with LYST-related conditions. ClinVar contains an entry for this variant (Variation ID: 847955). Advanced modeling of protein sequence and biophysical properties (such as structural, functional, and spatial information, amino acid conservation, physicochemical variation, residue mobility, and thermodynamic stability) performed at Invitae indicates that this missense variant is not expected to disrupt LYST protein function with a negative predictive value of 80%. In summary, the available evidence is currently insufficient to determine the role of this variant in disease. Therefore, it has been classified as a Variant of Uncertain Significance.